The following is an entry in ClinVar:

NM_017654.4(SAMD9):c.505T>A (p.Phe169Ile)

Gene: SAMD9 (sterile alpha motif domain containing 9; minus strand). Cytogenetic location: 7q21.2.
Variant type: single nucleotide variant.
Coding change: c.505T>A on transcript NM_017654.4 (MANE Select); coding-DNA position 505, T replaced by A.
Protein change: p.Phe169Ile; replaces phenylalanine 169 with isoleucine.
Molecular consequence: missense variant.
Genome position (GRCh38, 1-based): chr7:93,105,593, A>T on the plus strand (T>A on the coding strand, the complement: SAMD9 is on the minus strand). VCF-style: chr7-93105593-A-T. GRCh37 (hg19) VCF-style: chr7-92734906-A-T.
Other names: c.505T>A, p.Phe169Ile (NM_001193307.2); short protein forms F169I.
Identifiers: ClinVar variation 2983427 (VCV002983427.4), dbSNP rs776111249, ClinGen allele CA4343132.
Genomic context (GRCh38, chr7:93,105,593, plus strand): 5'-TGCCTGGTCCTGTTTCAGGCTGTAGACTAAAATCCAACTTGTAACGATATGGATTACTGA[A>T]TTCATCAAATGGATATGATACACATGTCAGGTCTATGGATGGTTGCCTTTCCTTTGTATA-3'
Protein context (NP_060124.2, residues 159-179): LTCVSYPFDE[Phe169Ile]SNPYRYKLDF

ClinVar aggregate classification (germline): Uncertain significance. Review status: criteria provided, multiple submitters, no conflicts (2 of 4 stars). 2 submissions from 2 submitters: Uncertain significance (2). Last evaluated 2024-04-04.

Allele frequency attached by ClinVar (database versions not stated): gnomAD exomes below 0.00001; ExAC 0.00001.
gnomAD v4.1: 2 of 1,614,116 alleles (0.00012%); highest among the groups gnomAD compares: Non-Finnish European, 0.00017%; no homozygotes.

Submissions (2):

Women's Health and Genetics/Laboratory Corporation of America, LabCorp
Classification: Uncertain significance. Last evaluated: 2024-04-04. Review status: criteria provided, single submitter. Criteria: LabCorp Variant Classification Summary - May 2015. Collection method: clinical testing. Allele origin: germline.
Comment: Variant summary: SAMD9 c.505T>A (p.Phe169Ile) results in a non-conservative amino acid change in the encoded protein sequence. Three of five in-silico tools predict a benign effect of the variant on protein function. The variant allele was found at a frequency of 4e-06 in 251346 control chromosomes. The available data on variant occurrences in the general population are insufficient to allow any conclusion about variant significance. To our knowledge, no occurrence of c.505T>A in individuals affected with MIRAGE Syndrome and no experimental evidence demonstrating its impact on protein function have been reported. ClinVar contains an entry for this variant (Variation ID: 2983427). Based on the evidence outlined above, the variant was classified as uncertain significance.

Labcorp Genetics (formerly Invitae), Labcorp
Classification: Uncertain significance. Last evaluated: 2023-04-15. Review status: criteria provided, single submitter. Criteria: Invitae Variant Classification Sherloc (09022015). Collection method: clinical testing. Allele origin: germline.
Comment: Advanced modeling of protein sequence and biophysical properties (such as structural, functional, and spatial information, amino acid conservation, physicochemical variation, residue mobility, and thermodynamic stability) performed at Invitae indicates that this missense variant is not expected to disrupt SAMD9 protein function. This variant has not been reported in the literature in individuals affected with SAMD9-related conditions. This variant is present in population databases (rs776111249, gnomAD 0.0009%). This sequence change replaces phenylalanine, which is neutral and non-polar, with isoleucine, which is neutral and non-polar, at codon 169 of the SAMD9 protein (p.Phe169Ile). In summary, the available evidence is currently insufficient to determine the role of this variant in disease. Therefore, it has been classified as a Variant of Uncertain Significance.